The following is an entry in ClinVar:

ClinVar aggregate classification (germline): Uncertain significance (1 of 4 stars; one submission).

Conditions:
Granulomatous disease, chronic, autosomal recessive, cytochrome b-positive, type 2. Also called: Chronic granulomatous disease due to deficiency of NCF-2; Chronic Granulomatous Disease, Autosomal Recessive, Cytochrome b-Positive, Type II; GRANULOMATOUS DISEASE, CHRONIC, DUE TO NCF2 DEFICIENCY; CGD, AUTOSOMAL RECESSIVE CYTOCHROME b-POSITIVE, TYPE II; GRANULOMATOUS DISEASE, CHRONIC, AUTOSOMAL RECESSIVE, 2. Identifiers: Orphanet 379, MedGen C1856245, MONDO:0009310, OMIM 233710.

Allele frequency attached by ClinVar (database versions not stated): gnomAD exomes below 0.00001.
gnomAD v4.1: 1 of 1,614,176 alleles (0.000062%); highest among the groups gnomAD compares: Non-Finnish European, 0.000085%; no homozygotes.

Submission:

Labcorp Genetics (formerly Invitae), Labcorp
Classification: Uncertain significance for Granulomatous disease, chronic, autosomal recessive, cytochrome b-positive, type 2. Last evaluated: 2020-03-18. Review status: criteria provided, single submitter. Criteria: Invitae Variant Classification Sherloc (09022015). Collection method: clinical testing. Allele origin: germline.
Comment: This variant is not present in population databases (ExAC no frequency). This sequence change replaces proline with leucine at codon 290 of the NCF2 protein (p.Pro290Leu). The proline residue is highly conserved and there is a moderate physicochemical difference between proline and leucine. This variant has not been reported in the literature in individuals with NCF2-related conditions. Algorithms developed to predict the effect of missense changes on protein structure and function (SIFT, PolyPhen-2, Align-GVGD) all suggest that this variant is likely to be disruptive, but these predictions have not been confirmed by published functional studies and their clinical significance is uncertain. In summary, the available evidence is currently insufficient to determine the role of this variant in disease. Therefore, it has been classified as a Variant of Uncertain Significance.

NM_000433.4(NCF2):c.869C>T (p.Pro290Leu)

Gene: NCF2 (neutrophil cytosolic factor 2; minus strand). Cytogenetic location: 1q25.3.
Variant type: single nucleotide variant.
Coding change: c.869C>T on transcript NM_000433.4 (MANE Select); coding-DNA position 869, C replaced by T.
Protein change: p.Pro290Leu; replaces proline 290 with leucine.
Molecular consequence: missense variant.
Genome position (GRCh38, 1-based): chr1:183,566,975, G>A on the plus strand (C>T on the coding strand, the complement: NCF2 is on the minus strand). VCF-style: chr1-183566975-G-A. GRCh37 (hg19) VCF-style: chr1-183536110-G-A.
Other names: c.869C>T, p.Pro290Leu (NM_001127651.3); c.626C>T, p.Pro209Leu (NM_001190789.2); c.734C>T, p.Pro245Leu (NM_001190794.2); short protein forms P245L, P209L, P290L.
Identifiers: ClinVar variation 1035986 (VCV001035986.9), dbSNP rs1672329290, ClinGen allele CA343671824.
Genomic context (GRCh38, chr1:183,566,975, plus strand): 5'-ATTACCTGGGGCTGCTGCTGAGGGTGGATCCGCAGCTCAACTGGTTCAAGGTAGTTGCAG[G>A]GAACAAGCCCCTTCTGCAGTGCAGCACCACAGAATCAGAAAGGAAAAAATAAAGATGTGC-3'
Protein context (NP_000424.2, residues 280-300): VMFNGQKGLV[Pro290Leu]CNYLEPVELR